The following is an entry in ClinVar:

NM_001202.6(BMP4):c.838C>T (p.Arg280Trp)

Gene: BMP4 (bone morphogenetic protein 4; minus strand). Cytogenetic location: 14q22.2.
Variant type: single nucleotide variant.
Coding change: c.838C>T on transcript NM_001202.6 (MANE Select); coding-DNA position 838, C replaced by T.
Protein change: p.Arg280Trp; replaces arginine 280 with tryptophan.
Molecular consequence: missense variant.
Genome position (GRCh38, 1-based): chr14:53,950,421, G>A on the plus strand (C>T on the coding strand, the complement: BMP4 is on the minus strand). VCF-style: chr14-53950421-G-A. GRCh37 (hg19) VCF-style: chr14-54417139-G-A.
Other names: c.979C>T, p.Arg327Trp (NM_001347912.1); c.649C>T, p.Arg217Trp (NM_001347913.2, NM_001347915.2, NM_001347917.1); c.838C>T, p.Arg280Trp (NM_001347914.2, NM_001347916.1, NM_130850.5 and 1 more transcripts); c.838C>T (NM_001202.3); short protein forms R217W, R280W, R327W.
Identifiers: ClinVar variation 2063217 (VCV002063217.5), dbSNP rs566882530, ClinGen allele CA7191667.
Genomic context (GRCh38, chr14:53,950,421, plus strand): 5'-GCTGTGAGTGATGCTTAGGGCTACGCTTGGCCCTCCGGCGTCGGGTCAAGGCATGGCCCC[G>A]GCCATCATGGCCAAAGGTGACCAGGAGGGGCCGGAGCTGGGCCCAATTCCCACTCCCTTG-3'
Protein context (NP_001193.2, residues 270-290): PLLVTFGHDG[Arg280Trp]GHALTRRRRA

ClinVar aggregate classification (germline): Conflicting classifications of pathogenicity. Review status: criteria provided, conflicting classifications (1 of 4 stars). 2 submissions from 2 submitters: Uncertain significance (1); Likely benign (1). Last evaluated 2025-08-29.

Conditions:
Orofacial cleft 11 (OFC11). Also called: Orofacial cleft 11; ofc11; CLEFT LIP WITH OR WITHOUT CLEFT PALATE, NONSYNDROMIC, 11. Identifiers: MedGen C2677434, MONDO:0010906, OMIM 600625.
Microphthalmia with brain and digit anomalies (MCOPS6). Also called: Microphthalmia, syndromic 6; MICROPHTHALMIA AND PITUITARY ANOMALIES. Identifiers: Orphanet 139471, MedGen C1864689, MONDO:0011936, OMIM 607932.
Inborn genetic diseases. Identifiers: MedGen C0950123, MeSH D030342.

Allele frequency attached by ClinVar (database versions not stated): gnomAD 0.00011; TOPMed 0.00011; 1000 Genomes Project 0.00020; 1000 Genomes Project 30x 0.00031.

Submissions (2):

Labcorp Genetics (formerly Invitae), Labcorp
Classification: Uncertain significance for Microphthalmia with brain and digit anomalies; Orofacial cleft 11. Last evaluated: 2025-08-29. Review status: criteria provided, single submitter. Criteria: Invitae Variant Classification Sherloc (09022015). Collection method: clinical testing. Allele origin: germline.
Comment: This sequence change replaces arginine, which is basic and polar, with tryptophan, which is neutral and slightly polar, at codon 280 of the BMP4 protein (p.Arg280Trp). This variant is present in population databases (rs566882530, gnomAD 0.03%). This variant has not been reported in the literature in individuals affected with BMP4-related conditions. ClinVar contains an entry for this variant (Variation ID: 2063217). Invitae Evidence Modeling of protein sequence and biophysical properties (such as structural, functional, and spatial information, amino acid conservation, physicochemical variation, residue mobility, and thermodynamic stability) indicates that this missense variant is not expected to disrupt BMP4 protein function with a negative predictive value of 80%. In summary, the available evidence is currently insufficient to determine the role of this variant in disease. Therefore, it has been classified as a Variant of Uncertain Significance.

Ambry Genetics
Classification: Likely benign for Inborn genetic diseases. Last evaluated: 2025-06-16. Review status: criteria provided, single submitter. Criteria: Ambry Variant Classification Scheme 2023. Collection method: clinical testing. Allele origin: germline.